The following is an entry in ClinVar:

NM_001040716.2(PC):c.3405G>A (p.Gln1135=)

Gene: PC (pyruvate carboxylase; minus strand). Cytogenetic location: 11q13.2.
Variant type: single nucleotide variant.
Coding change: c.3405G>A on transcript NM_001040716.2 (MANE Select); coding-DNA position 3405, G replaced by A.
Protein change: p.Gln1135=; no amino-acid change (glutamine 1135 retained).
Molecular consequence: synonymous variant.
Genome position (GRCh38, 1-based): chr11:66,849,031, C>T on the plus strand (G>A on the coding strand, the complement: PC is on the minus strand). VCF-style: chr11-66849031-C-T. GRCh37 (hg19) VCF-style: chr11-66616502-C-T.
Other names: c.3405G>A (NM_001040716.1); c.3405G>A, p.Gln1135= (NM_000920.4, NM_022172.3).
Identifiers: ClinVar variation 1079780 (VCV001079780.12), dbSNP rs747244374, ClinGen allele CA6130786.
Genomic context (GRCh38, chr11:66,849,031, plus strand): 5'-ACCCTCCATGGGTGAGGTCACCACAGTCTCCATCTTCATGGCACTGAGCACACACAGGGG[C>T]TGGCCCTTGGCCACCTTGGCCCCTGCCACCACTTTGATGTCTATCACCTTCCCAGGCATG-3'
Protein context (NP_001035806.1, residues 1125-1145): VVAGAKVAKG[Gln1135=]PLCVLSAMKM

ClinVar aggregate classification (germline): Likely benign. Review status: criteria provided, single submitter (1 of 4 stars). 2 submissions from 2 submitters: Likely benign (1). 1 of the submissions does not count toward it. Last evaluated 2024-02-19.

Conditions:
Pyruvate carboxylase deficiency. Also called: ATAXIA WITH LACTIC ACIDOSIS II; Pyruvate Carboxylase Deficiency Disease; LEIGH NECROTIZING ENCEPHALOPATHY DUE TO PYRUVATE CARBOXYLASE DEFICIENCY; LEIGH SYNDROME DUE TO PYRUVATE CARBOXYLASE DEFICIENCY; PC DEFICIENCY. Identifiers: Orphanet 3008, MedGen C0034341, MONDO:0009949, OMIM 266150.
PC-related disorder. Also called: PC-related condition.

Allele frequency attached by ClinVar (database versions not stated): gnomAD exomes below 0.00001; ExAC 0.00001.
gnomAD v4.1: 3 of 1,614,108 alleles (0.00019%); highest among the groups gnomAD compares: Non-Finnish European, 0.00017%; no homozygotes.

Submissions (2):

Labcorp Genetics (formerly Invitae), Labcorp
Classification: Likely benign for Pyruvate carboxylase deficiency. Last evaluated: 2024-02-19. Review status: criteria provided, single submitter. Criteria: Invitae Variant Classification Sherloc (09022015). Collection method: clinical testing. Allele origin: germline.

PreventionGenetics, part of Exact Sciences
Classification: Likely benign for PC-related condition. Last evaluated: 2019-08-15. Review status: no assertion criteria provided. Collection method: clinical testing. Allele origin: germline. Not counted in ClinVar's aggregate classification.
Comment: This variant is classified as likely benign based on ACMG/AMP sequence variant interpretation guidelines (Richards et al. 2015 PMID: 25741868, with internal and published modifications).